The following is an entry in ClinVar:

ClinVar aggregate classification (germline): Uncertain significance. Review status: criteria provided, multiple submitters, no conflicts (2 of 4 stars). 3 submissions from 3 submitters: Uncertain significance (3). Last evaluated 2025-03-01.

Conditions:
SLC10A2-related disorder. Also called: SLC10A2-related condition.

Allele frequency attached by ClinVar (database versions not stated): ExAC 0.00003; gnomAD 0.00003; gnomAD exomes 0.00006; TOPMed 0.00009; ESP Exome Variant Server 0.00023.
gnomAD v4.1: 86 of 1,614,088 alleles (0.0053%); highest among the groups gnomAD compares: Non-Finnish European, 0.0069%; no homozygotes.

Submissions (3):

Ambry Genetics
Classification: Uncertain significance. Last evaluated: 2025-03-01. Review status: criteria provided, single submitter. Criteria: Ambry Variant Classification Scheme 2023. Collection method: clinical testing. Allele origin: germline.

Labcorp Genetics (formerly Invitae), Labcorp
Classification: Uncertain significance. Last evaluated: 2024-07-17. Review status: criteria provided, single submitter. Criteria: Invitae Variant Classification Sherloc (09022015). Collection method: clinical testing. Allele origin: germline.
Comment: This sequence change replaces alanine, which is neutral and non-polar, with valine, which is neutral and non-polar, at codon 111 of the SLC10A2 protein (p.Ala111Val). This variant is present in population databases (rs150703535, gnomAD 0.01%). This variant has not been reported in the literature in individuals affected with SLC10A2-related conditions. ClinVar contains an entry for this variant (Variation ID: 2029011). Advanced modeling of protein sequence and biophysical properties (such as structural, functional, and spatial information, amino acid conservation, physicochemical variation, residue mobility, and thermodynamic stability) performed at Invitae indicates that this missense variant is not expected to disrupt SLC10A2 protein function with a negative predictive value of 80%. In summary, the available evidence is currently insufficient to determine the role of this variant in disease. Therefore, it has been classified as a Variant of Uncertain Significance.

PreventionGenetics, part of Exact Sciences
Classification: Uncertain significance for SLC10A2-related condition. Last evaluated: 2023-09-22. Review status: criteria provided, single submitter. Criteria: ACMG Guidelines, 2015. Collection method: clinical testing. Allele origin: germline.
Comment: The SLC10A2 c.332C>T variant is predicted to result in the amino acid substitution p.Ala111Val. To our knowledge, this variant has not been reported in the literature. This variant is reported in 0.012% of alleles in individuals of African descent in gnomAD. At this time, the clinical significance of this variant is uncertain due to the absence of conclusive functional and genetic evidence.

NM_000452.3(SLC10A2):c.332C>T (p.Ala111Val)

Gene: SLC10A2 (solute carrier family 10 member 2; minus strand). Cytogenetic location: 13q33.1.
Variant type: single nucleotide variant.
Coding change: c.332C>T on transcript NM_000452.3 (MANE Select); coding-DNA position 332, C replaced by T.
Protein change: p.Ala111Val; replaces alanine 111 with valine.
Molecular consequence: missense variant.
Genome position (GRCh38, 1-based): chr13:103,065,918, G>A on the plus strand (C>T on the coding strand, the complement: SLC10A2 is on the minus strand). VCF-style: chr13-103065918-G-A. GRCh37 (hg19) VCF-style: chr13-103718268-G-A.
Other names: c.332C>T (NM_000452.2); short protein forms A111V.
Identifiers: ClinVar variation 2029011 (VCV002029011.6), dbSNP rs150703535, ClinGen allele CA7042280.